The following is an entry in ClinVar:

NM_000059.4(BRCA2):c.8705C>T (p.Ala2902Val)

Gene: BRCA2 (BRCA2 DNA repair associated; plus strand). Cytogenetic location: 13q13.1.
Variant type: single nucleotide variant.
Coding change: c.8705C>T on transcript NM_000059.4 (MANE Select); coding-DNA position 8705, C replaced by T.
Protein change: p.Ala2902Val; replaces alanine 2902 with valine.
Molecular consequence: missense variant. On other transcripts: non-coding transcript variant (1).
Genome position (GRCh38, 1-based): chr13:32,376,742, C>T. VCF-style: chr13-32376742-C-T. GRCh37 (hg19) VCF-style: chr13-32950879-C-T.
Other names: c.8609C>T, p.Ala2870Val (NM_001406719.1); c.8705C>T, p.Ala2902Val (NM_001406720.1, NM_001432077.1); c.3773C>T, p.Ala1258Val (NM_001406721.1); c.2288C>T, p.Ala763Val (NM_001406722.1); short protein forms A1258V, A2870V, A2902V, A763V.
Identifiers: ClinVar variation 4797902 (VCV004797902.1).

ClinVar aggregate classification (germline): Uncertain significance (1 of 4 stars; one submission).

Conditions:
Hereditary breast ovarian cancer syndrome. Also called: Hereditary breast and ovarian cancer syndrome (HBOC); Hereditary breast and ovarian cancer; Breast and ovarian cancer; Hereditary breast and/or ovarian cancer syndrome; BRCA1- and BRCA2-Associated Hereditary Breast and Ovarian Cancer; Hereditary breast and ovarian cancer syndrome. Identifiers: Orphanet 145, MedGen C0677776, MeSH D061325, MONDO:0003582. Disease mechanism: loss of function.

Submission:

Labcorp Genetics (formerly Invitae), Labcorp
Classification: Uncertain significance for Hereditary breast ovarian cancer syndrome. Last evaluated: 2026-01-04. Review status: criteria provided, single submitter. Criteria: Invitae Variant Classification Sherloc (09022015). Collection method: clinical testing. Allele origin: germline.
Comment: This sequence change replaces alanine, which is neutral and non-polar, with valine, which is neutral and non-polar, at codon 2902 of the BRCA2 protein (p.Ala2902Val). This variant is not present in population databases (gnomAD no frequency). This variant has not been reported in the literature in individuals affected with BRCA2-related conditions. Invitae Evidence Modeling of protein sequence and biophysical properties (such as structural, functional, and spatial information, amino acid conservation, physicochemical variation, residue mobility, and thermodynamic stability) indicates that this missense variant is not expected to disrupt BRCA2 protein function with a negative predictive value of 95%. In summary, the available evidence is currently insufficient to determine the role of this variant in disease. Therefore, it has been classified as a Variant of Uncertain Significance.